The following is an entry in ClinVar:

ClinVar aggregate classification (germline): Uncertain significance (1 of 4 stars; one submission).

Submission:

Ambry Genetics
Classification: Uncertain significance. Last evaluated: 2026-02-13. Review status: criteria provided, single submitter. Criteria: Ambry Variant Classification Scheme 2023. Collection method: clinical testing. Allele origin: germline.
Comment: The p.D558V variant (also known as c.1673A>T), located in coding exon 17 of the SLMAP gene, results from an A to T substitution at nucleotide position 1673. The aspartic acid at codon 558 is replaced by valine, an amino acid with highly dissimilar properties. This amino acid position is conserved. In addition, this alteration is predicted to be tolerated by in silico analysis. Based on the available evidence, the clinical significance of this variant remains unclear.

NM_001377540.1(SLMAP):c.1775A>T (p.Asp592Val)

Gene: SLMAP (sarcolemma associated protein; plus strand). Cytogenetic location: 3p14.3.
Variant type: single nucleotide variant.
Coding change: c.1775A>T on transcript NM_001377540.1 (MANE Select); coding-DNA position 1775, A replaced by T.
Protein change: p.Asp592Val; replaces aspartic acid 592 with valine.
Molecular consequence: missense variant. On other transcripts: non-coding transcript variant (1).
Genome position (GRCh38, 1-based): chr3:57,912,456, A>T. VCF-style: chr3-57912456-A-T. GRCh37 (hg19) VCF-style: chr3-57898183-A-T.
Other names: c.1601A>T, p.Asp534Val (NM_001377562.1, NM_001377921.1); c.1589A>T, p.Asp530Val (NM_001377922.1); c.1550A>T, p.Asp517Val (NM_001377923.1); c.1538A>T, p.Asp513Val (NM_001377924.1); c.1487A>T, p.Asp496Val (NM_001377925.1); c.203A>T, p.Asp68Val (NM_001377926.1, NM_001377927.1, NM_001377928.1 and 1 more transcripts); c.1673A>T, p.Asp558Val (NM_007159.5, NM_001377549.1); c.1724A>T, p.Asp575Val (NM_001304420.3, NM_001377541.1, NM_001377542.1); and 8 more; short protein forms D571V, D43V, D513V, D537V, D558V, D575V, D68V, D496V.
Identifiers: ClinVar variation 4844308 (VCV004844308.1).
Genomic context (GRCh38, chr3:57,912,456, plus strand): 5'-TACACATCGATACTGAGAATCTCCGGGAGGAGAAGGACAGTGAAATCACAAGTACTAGAG[A>T]TGAATTGCTTAGTGCCCGAGATGAAATTTTGCTCCTTCATCAAGCAGCAGCAAAGGTTGC-3'
Protein context (NP_001364469.1, residues 582-602): EKDSEITSTR[Asp592Val]ELLSARDEIL